The following is an entry in ClinVar:

ClinVar aggregate classification (germline): Uncertain significance (1 of 4 stars; one submission).

Allele frequency attached by ClinVar (database versions not stated): gnomAD 0.00001; gnomAD exomes 0.00001; TOPMed 0.00001.
gnomAD v4.1: 10 of 1,612,622 alleles (0.00062%); highest among the groups gnomAD compares: Non-Finnish European, 0.00085%; no homozygotes.

Submission:

Labcorp Genetics (formerly Invitae), Labcorp
Classification: Uncertain significance. Last evaluated: 2023-07-06. Review status: criteria provided, single submitter. Criteria: Invitae Variant Classification Sherloc (09022015). Collection method: clinical testing. Allele origin: germline.
Comment: This sequence change replaces serine, which is neutral and polar, with phenylalanine, which is neutral and non-polar, at codon 472 of the FZD4 protein (p.Ser472Phe). This variant is present in population databases (no rsID available, gnomAD 0.0009%). This variant has not been reported in the literature in individuals affected with FZD4-related conditions. Advanced modeling of protein sequence and biophysical properties (such as structural, functional, and spatial information, amino acid conservation, physicochemical variation, residue mobility, and thermodynamic stability) performed at Invitae indicates that this missense variant is not expected to disrupt FZD4 protein function. In summary, the available evidence is currently insufficient to determine the role of this variant in disease. Therefore, it has been classified as a Variant of Uncertain Significance.

NM_012193.4(FZD4):c.1415C>T (p.Ser472Phe)

Genes: FZD4 (frizzled class receptor 4; minus strand), PRSS23 (serine protease 23; plus strand). Cytogenetic location: 11q14.2.
Variant type: single nucleotide variant.
Coding change: c.1415C>T on transcript NM_012193.4 (MANE Select); coding-DNA position 1415, C replaced by T.
Protein change: p.Ser472Phe; replaces serine 472 with phenylalanine.
Molecular consequence: missense variant. On other transcripts: non-coding transcript variant (2).
Genome position (GRCh38, 1-based): chr11:86,951,341, G>A on the plus strand (C>T on the coding strand, the complement: FZD4 is on the minus strand). VCF-style: chr11-86951341-G-A. GRCh37 (hg19) VCF-style: chr11-86662383-G-A.
Other names: short protein forms S472F.
Identifiers: ClinVar variation 2961077 (VCV002961077.3), dbSNP rs1413356238, ClinGen allele CA382011327.